The following is an entry in ClinVar:

ClinVar aggregate classification (germline): Pathogenic (1 of 4 stars; one submission).

Submission:

Labcorp Genetics (formerly Invitae), Labcorp
Classification: Pathogenic. Last evaluated: 2022-09-07. Review status: criteria provided, single submitter. Criteria: Invitae Variant Classification Sherloc (09022015). Collection method: clinical testing. Allele origin: germline.
Comment: For these reasons, this variant has been classified as Pathogenic. This variant has not been reported in the literature in individuals affected with ABCB11-related conditions. This variant is a gross deletion of the genomic region encompassing exon(s) 3-5 of the ABCB11 gene. This deletion is out-of-frame, and is expected to create a premature termination codon and result in an absent or disrupted protein product. Loss-of-function variants in ABCB11 are known to be pathogenic (PMID: 18395098, 20232290).

Literature cited by the submitters: PubMed 18395098; PubMed 20232290.

NC_000002.11:g.(?_169869772)_(169873319_?)del

Gene: ABCB11 (ATP binding cassette subfamily B member 11; minus strand). Cytogenetic location: 2q31.1.
Variant type: Deletion.
Identifiers: ClinVar variation 2424754 (VCV002424754.2).